The following is an entry in ClinVar:

ClinVar aggregate classification (germline): Uncertain significance (1 of 4 stars; one submission).

Submission:

Labcorp Genetics (formerly Invitae), Labcorp
Classification: Uncertain significance. Last evaluated: 2022-04-21. Review status: criteria provided, single submitter. Criteria: Invitae Variant Classification Sherloc (09022015). Collection method: clinical testing. Allele origin: germline.
Comment: In summary, the available evidence is currently insufficient to determine the role of this variant in disease. Therefore, it has been classified as a Variant of Uncertain Significance. Algorithms developed to predict the effect of missense changes on protein structure and function (SIFT, PolyPhen-2, Align-GVGD) all suggest that this variant is likely to be tolerated. This variant has not been reported in the literature in individuals affected with SLC7A14-related conditions. This variant is not present in population databases (gnomAD no frequency). This sequence change replaces asparagine, which is neutral and polar, with lysine, which is basic and polar, at codon 209 of the SLC7A14 protein (p.Asn209Lys).

NM_020949.3(SLC7A14):c.627T>G (p.Asn209Lys)

Genes: SLC7A14-AS1 (SLC7A14 antisense RNA 1; plus strand), SLC7A14 (solute carrier family 7 member 14; minus strand). Cytogenetic location: 3q26.2.
Variant type: single nucleotide variant.
Coding change: c.627T>G on transcript NM_020949.3 (MANE Select); coding-DNA position 627, T replaced by G.
Protein change: p.Asn209Lys; replaces asparagine 209 with lysine.
Molecular consequence: missense variant.
Genome position (GRCh38, 1-based): chr3:170,498,799, A>C on the plus strand (T>G on the coding strand, the complement: SLC7A14 is on the minus strand). VCF-style: chr3-170498799-A-C. GRCh37 (hg19) VCF-style: chr3-170216588-A-C.
Other names: short protein forms N209K.
Identifiers: ClinVar variation 2128957 (VCV002128957.4), dbSNP rs2473392126, ClinGen allele CA355515245.